The following is an entry in ClinVar:

ClinVar aggregate classification (germline): Uncertain significance (1 of 4 stars; one submission).

Submission:

GeneDx
Classification: Uncertain significance. Last evaluated: 2019-05-10. Review status: criteria provided, single submitter. Criteria: GeneDx Variant Classification Process June 2021. Collection method: clinical testing. Allele origin: germline. Affected: yes.
Comment: Not observed in large population cohorts (Lek et al., 2016); In silico analysis, which includes protein predictors and evolutionary conservation, supports that this variant does not alter protein structure/function; Has not been previously published as pathogenic or benign to our knowledge; Variants in candidate genes are classified as variants of uncertain significance in accordance with ACMG guidelines (Richards et al., 2015)

NM_001394062.1(MACF1):c.3076C>A (p.His1026Asn)

Gene: MACF1 (microtubule actin crosslinking factor 1; plus strand). Cytogenetic location: 1p34.3.
Variant type: single nucleotide variant.
Coding change: c.3076C>A on transcript NM_001394062.1 (MANE Select); coding-DNA position 3076, C replaced by A.
Protein change: p.His1026Asn; replaces histidine 1026 with asparagine.
Molecular consequence: missense variant.
Genome position (GRCh38, 1-based): chr1:39,310,404, C>A. VCF-style: chr1-39310404-C-A. GRCh37 (hg19) VCF-style: chr1-39776076-C-A.
Other names: c.3091C>A, p.His1031Asn (NM_012090.5); short protein forms H1026N, H1031N.
Identifiers: ClinVar variation 1302597 (VCV001302597.2), dbSNP rs2148434779, ClinGen allele CA339778785.